The following is an entry in ClinVar:

ClinVar aggregate classification (germline): Pathogenic (1 of 4 stars; one submission).

Conditions:
Charcot-Marie-Tooth Neuropathy X. Identifiers: MedGen CN118851.

Submission:

Labcorp Genetics (formerly Invitae), Labcorp
Classification: Pathogenic for Charcot-Marie-Tooth Neuropathy X. Last evaluated: 2023-05-27. Review status: criteria provided, single submitter. Criteria: Invitae Variant Classification Sherloc (09022015). Collection method: clinical testing. Allele origin: germline.
Comment: This sequence change creates a premature translational stop signal (p.Asp46*) in the GJB1 gene. While this is not anticipated to result in nonsense mediated decay, it is expected to disrupt the last 238 amino acid(s) of the GJB1 protein. This variant is not present in population databases (gnomAD no frequency). This variant has not been reported in the literature in individuals affected with GJB1-related conditions. This variant disrupts a region of the GJB1 protein in which other variant(s) (p.Arg220*) have been determined to be pathogenic (PMID: 7477983, 8162049, 9364054, 21291455). This suggests that this is a clinically significant region of the protein, and that variants that disrupt it are likely to be disease-causing. For these reasons, this variant has been classified as Pathogenic.

Literature cited by the submitters: PubMed 7477983; PubMed 8162049; PubMed 9364054; PubMed 21291455.

NM_000166.6(GJB1):c.134dup (p.Gly45_Asp46insTer)

Gene: GJB1 (gap junction protein beta 1; plus strand). Cytogenetic location: Xq13.1.
Variant type: Duplication.
Coding change: c.134dup on transcript NM_000166.6 (MANE Select); coding-DNA position 134, one base duplicated (G; older notation c.134dupG).
Protein change: p.Gly45_Asp46insTer.
Molecular consequence: frameshift variant.
Genome position (GRCh38, 1-based): chrX:71,223,841, G duplicated; the last of 4 consecutive G bases (chrX:71,223,838-71,223,841); duplicating any one gives the same sequence. VCF-style (leftmost placement, unchanged base first): chrX-71223837-T-TG. GRCh37 (hg19) VCF-style: chrX-70443687-T-TG.
Other names: c.134dup, p.Gly45_Asp46insTer (NM_001097642.3).
Identifiers: ClinVar variation 2735214 (VCV002735214.3), dbSNP rs2519797837, ClinGen allele CA2697553165.